The following is an entry in ClinVar:

NM_006904.7(PRKDC):c.5269A>G (p.Met1757Val)

Gene: PRKDC (protein kinase, DNA-activated, catalytic subunit; minus strand). Cytogenetic location: 8q11.21.
Variant type: single nucleotide variant.
Coding change: c.5269A>G on transcript NM_006904.7 (MANE Select); coding-DNA position 5269, A replaced by G.
Protein change: p.Met1757Val; replaces methionine 1757 with valine.
Molecular consequence: missense variant.
Genome position (GRCh38, 1-based): chr8:47,877,818, T>C on the plus strand (A>G on the coding strand, the complement: PRKDC is on the minus strand). VCF-style: chr8-47877818-T-C. GRCh37 (hg19) VCF-style: chr8-48790379-T-C.
Other names: c.5269A>G, p.Met1757Val (NM_001081640.2); short protein forms M1757V.
Identifiers: ClinVar variation 636421 (VCV000636421.4), dbSNP rs376292677, ClinGen allele CA4740666.

ClinVar aggregate classification (germline): Uncertain significance. Review status: criteria provided, multiple submitters, no conflicts (2 of 4 stars). 2 submissions from 2 submitters: Uncertain significance (2). Last evaluated 2022-08-01.

Conditions:
Severe combined immunodeficiency due to DNA-PKcs deficiency. Also called: Immunodeficiency 26 with or without neurologic abnormalities; IMMUNODEFICIENCY 26 WITH NEUROLOGIC ABNORMALITIES. Identifiers: Orphanet 317425, MedGen C4014833, MONDO:0014423, OMIM 615966.

Allele frequency attached by ClinVar (database versions not stated): ExAC 0.00002; gnomAD 0.00002 and 0.00003; gnomAD exomes 0.00003 and 0.00004; TOPMed 0.00003; ESP Exome Variant Server 0.00008.

Submissions (2):

Labcorp Genetics (formerly Invitae), Labcorp
Classification: Uncertain significance for Severe combined immunodeficiency due to DNA-PKcs deficiency. Last evaluated: 2022-08-01. Review status: criteria provided, single submitter. Criteria: Invitae Variant Classification Sherloc (09022015). Collection method: clinical testing. Allele origin: germline.
Comment: This sequence change replaces methionine, which is neutral and non-polar, with valine, which is neutral and non-polar, at codon 1757 of the PRKDC protein (p.Met1757Val). This variant is present in population databases (rs376292677, gnomAD 0.01%). This variant has not been reported in the literature in individuals affected with PRKDC-related conditions. ClinVar contains an entry for this variant (Variation ID: 636421). Experimental studies and prediction algorithms are not available or were not evaluated, and the functional significance of this variant is currently unknown. In summary, the available evidence is currently insufficient to determine the role of this variant in disease. Therefore, it has been classified as a Variant of Uncertain Significance.

Blueprint Genetics
Classification: Uncertain significance. Last evaluated: 2020-04-22. Review status: criteria provided, single submitter. Criteria: ACMG Guidelines, 2015. Collection method: clinical testing. Allele origin: germline.